The following is an entry in ClinVar:

ClinVar aggregate classification (germline): Uncertain significance (1 of 4 stars; one submission).

gnomAD v4.1: 1 of 1,611,834 alleles (0.000062%); no homozygotes.

Submission:

Women's Health and Genetics/Laboratory Corporation of America, LabCorp
Classification: Uncertain significance. Last evaluated: 2022-06-20. Review status: criteria provided, single submitter. Criteria: LabCorp Variant Classification Summary - May 2015. Collection method: clinical testing. Allele origin: germline.
Comment: Variant summary: TTN c.57824G>A (p.Ser19275Asn) results in a conservative amino acid change located in the A-band region of the encoded protein sequence. Four of five in-silico tools predict a damaging effect of the variant on protein function. The variant was absent in 247092 control chromosomes (gnomAD). The available data on variant occurrences in the general population are insufficient to allow any conclusion about variant significance. To our knowledge, no occurrence of c.57824G>A in individuals affected with Cardiomyopathy, Limb-Girdle Muscular Dystrophy, or other TTN-related disorders and no experimental evidence demonstrating its impact on protein function have been reported. No clinical diagnostic laboratories have submitted clinical-significance assessments for this variant to ClinVar after 2014. Based on the evidence outlined above, the variant was classified as uncertain significance.

NM_001267550.2(TTN):c.65528G>A (p.Ser21843Asn)

Genes: TTN (titin; minus strand), TTN-AS1 (TTN antisense RNA 1; plus strand). Cytogenetic location: 2q31.2.
Variant type: single nucleotide variant.
Coding change: c.65528G>A on transcript NM_001267550.2 (MANE Select); coding-DNA position 65528, G replaced by A.
Protein change: p.Ser21843Asn; replaces serine 21843 with asparagine.
Molecular consequence: missense variant. On other transcripts: non-coding transcript variant (1).
Genome position (GRCh38, 1-based): chr2:178,583,654, C>T on the plus strand (G>A on the coding strand, the complement: TTN is on the minus strand). VCF-style: chr2-178583654-C-T. GRCh37 (hg19) VCF-style: chr2-179448381-C-T.
Other names: c.60605G>A, p.Ser20202Asn (NM_001256850.1); c.38333G>A, p.Ser12778Asn (NM_003319.4); c.57824G>A, p.Ser19275Asn (NM_133378.4); c.38708G>A, p.Ser12903Asn (NM_133432.3); c.38909G>A, p.Ser12970Asn (NM_133437.4); short protein forms S12778N, S12903N, S12970N, S19275N, S20202N, S21843N.
Identifiers: ClinVar variation 1698595 (VCV001698595.1), dbSNP rs2154179160, ClinGen allele CA349433911.